The following is an entry in ClinVar:

NM_000059.4(BRCA2):c.8719G>T (p.Ala2907Ser)

Gene: BRCA2 (BRCA2 DNA repair associated; plus strand). Cytogenetic location: 13q13.1.
Variant type: single nucleotide variant.
Coding change: c.8719G>T on transcript NM_000059.4 (MANE Select); coding-DNA position 8719, G replaced by T.
Protein change: p.Ala2907Ser; replaces alanine 2907 with serine.
Molecular consequence: missense variant.
Genome position (GRCh38, 1-based): chr13:32,376,756, G>T. VCF-style: chr13-32376756-G-T. GRCh37 (hg19) VCF-style: chr13-32950893-G-T.
Other names: c.8623G>T, p.Ala2875Ser (NM_001406719.1); c.8719G>T, p.Ala2907Ser (NM_001406720.1); c.3787G>T, p.Ala1263Ser (NM_001406721.1); c.2302G>T, p.Ala768Ser (NM_001406722.1); short protein forms A2907S, A1263S, A2875S, A768S.
Identifiers: ClinVar variation 1764429 (VCV001764429.2), dbSNP rs1593934954, ClinGen allele CA387754951.

ClinVar aggregate classification (germline): Uncertain significance (1 of 4 stars; one submission).

Conditions:
Hereditary cancer-predisposing syndrome. Also called: Neoplastic Syndromes, Hereditary; Tumor predisposition; Hereditary Cancer Syndrome; Hereditary neoplastic syndrome. Identifiers: Orphanet 140162, MedGen C0027672, MeSH D009386, MONDO:0015356.

Submission:

Ambry Genetics
Classification: Uncertain significance for Hereditary cancer-predisposing syndrome. Last evaluated: 2019-03-27. Review status: criteria provided, single submitter. Criteria: Ambry Variant Classification Scheme 2023. Collection method: clinical testing. Allele origin: germline.
Comment: The p.A2907S variant (also known as c.8719G>T), located in coding exon 20 of the BRCA2 gene, results from a G to T substitution at nucleotide position 8719. The alanine at codon 2907 is replaced by serine, an amino acid with similar properties. This amino acid position is highly conserved in available vertebrate species. In addition, the in silico prediction for this alteration is inconclusive. Since supporting evidence is limited at this time, the clinical significance of this alteration remains unclear.